The following is an entry in ClinVar:

NC_000007.14:g.(?_124846932)_(124847008_?)del

Gene: POT1 (protection of telomeres 1; minus strand). Cytogenetic location: 7q31.33.
Variant type: Deletion.
Identifiers: ClinVar variation 832274 (VCV000832274.7).

ClinVar aggregate classification (germline): Uncertain significance (1 of 4 stars; one submission).

Conditions:
Tumor predisposition syndrome 3 (TPDS3). Also called: Glioma susceptibility 9; LONG TELOMERE SYNDROME, POT1-RELATED; POT1 Tumor Predisposition; Melanoma, cutaneous malignant, susceptibility to, 10. Identifiers: Orphanet 618, MedGen C4014476, MONDO:0014368, OMIM 615848.

Submission:

Labcorp Genetics (formerly Invitae), Labcorp
Classification: Uncertain significance for Tumor predisposition syndrome 3. Last evaluated: 2023-05-15. Review status: criteria provided, single submitter. Criteria: Invitae Variant Classification Sherloc (09022015). Collection method: clinical testing. Allele origin: germline.
Comment: In summary, the available evidence is currently insufficient to determine the role of this variant in disease. Therefore, it has been classified as a Variant of Uncertain Significance. Experimental studies and prediction algorithms are not available or were not evaluated, and the functional significance of this variant is currently unknown. This variant has not been reported in the literature in individuals affected with POT1-related conditions. This variant is a gross deletion of the genomic region encompassing exon(s) 12 of the POT1 gene. This variant would be expected to be in-frame, preserving the integrity of the reading frame.